The following is an entry in ClinVar:

ClinVar aggregate classification (germline): Uncertain significance (1 of 4 stars; one submission).

Submission:

Labcorp Genetics (formerly Invitae), Labcorp
Classification: Uncertain significance. Last evaluated: 2025-07-03. Review status: criteria provided, single submitter. Criteria: Invitae Variant Classification Sherloc (09022015). Collection method: clinical testing. Allele origin: germline.
Comment: This sequence change replaces histidine, which is basic and polar, with glutamine, which is neutral and polar, at codon 1392 of the COL2A1 protein (p.His1392Gln). This variant is not present in population databases (gnomAD no frequency). This variant has not been reported in the literature in individuals affected with COL2A1-related conditions. Invitae Evidence Modeling of protein sequence and biophysical properties (such as structural, functional, and spatial information, amino acid conservation, physicochemical variation, residue mobility, and thermodynamic stability) indicates that this missense variant is not expected to disrupt COL2A1 protein function with a negative predictive value of 95%. In summary, the available evidence is currently insufficient to determine the role of this variant in disease. Therefore, it has been classified as a Variant of Uncertain Significance.

NM_001844.5(COL2A1):c.4176C>A (p.His1392Gln)

Gene: COL2A1 (collagen type II alpha 1 chain; minus strand). Cytogenetic location: 12q13.11.
Variant type: single nucleotide variant.
Coding change: c.4176C>A on transcript NM_001844.5 (MANE Select); coding-DNA position 4176, C replaced by A.
Protein change: p.His1392Gln; replaces histidine 1392 with glutamine.
Molecular consequence: missense variant.
Genome position (GRCh38, 1-based): chr12:47,974,230, G>T on the plus strand (C>A on the coding strand, the complement: COL2A1 is on the minus strand). VCF-style: chr12-47974230-G-T. GRCh37 (hg19) VCF-style: chr12-48368013-G-T.
Other names: c.3969C>A, p.His1323Gln (NM_033150.3); short protein forms H1392Q, H1323Q.
Identifiers: ClinVar variation 4747040 (VCV004747040.1).